The following is an entry in ClinVar:

NM_005859.5(PURA):c.533dup (p.Gly179fs)

Gene: PURA (purine rich element binding protein A; plus strand). Cytogenetic location: 5q31.3.
Variant type: Duplication.
Coding change: c.533dup on transcript NM_005859.5 (MANE Select); coding-DNA position 533, one base duplicated (C; older notation c.533dupC).
Protein change: p.Gly179fs; shifts the reading frame from glycine 179.
Molecular consequence: frameshift variant.
Genome position (GRCh38, 1-based): chr5:140,114,714, C duplicated; the last of 2 consecutive C bases (chr5:140,114,713-140,114,714); duplicating either gives the same sequence. VCF-style (leftmost placement, unchanged base first): chr5-140114712-G-GC. GRCh37 (hg19) VCF-style: chr5-139494297-G-GC.
Other names: short protein forms G179fs.
Identifiers: ClinVar variation 985968 (VCV000985968.4), dbSNP rs1763049893, ClinGen allele CA1139659103.

ClinVar aggregate classification (germline): Pathogenic (1 of 4 stars; one submission).

Conditions:
Inborn genetic diseases. Identifiers: MedGen C0950123, MeSH D030342.

Submission:

Ambry Genetics
Classification: Pathogenic for Inborn genetic diseases. Last evaluated: 2022-04-28. Review status: criteria provided, single submitter. Criteria: Ambry Variant Classification Scheme 2023. Collection method: clinical testing. Allele origin: germline.
Comment: The c.533dupC (p.G179Wfs*22) alteration, located in coding exon 1 of the PURA gene, consists of a duplication of C at position 533, causing a translational frameshift with a predicted alternate stop codon after 22 amino acids. Premature stop codons are typically deleterious in nature; however, because PURA is a single-exon gene this alteration is not expected to trigger nonsense-mediated mRNA decay and an altered/truncated protein could still be expressed (Maquat, 2004). However, this alteration occurs in the middle of the protein and impacts the last 144 amino acids which comprise 45% of the total protein. This highly shortened protein is unlikely to be functional. In addition, other alterations downstream of this alteration have been reported in the literature as disease-causing (Tanaka, 2015; Lee, 2018; Mayorga, 2018). This variant was not reported in population-based cohorts in the Genome Aggregation Database (gnomAD). Based on the available evidence, this alteration is classified as pathogenic.

Literature cited by the submitters: PubMed 27148565; PubMed 29150892; PubMed 29307761.